The following is an entry in ClinVar:

NM_000070.3(CAPN3):c.425A>G (p.Gln142Arg)

Genes: CAPN3 (calpain 3; plus strand), LOC126862115 (BRD4-independent group 4 enhancer GRCh37_chr15:42677734-42678933; plus strand). Cytogenetic location: 15q15.1.
Variant type: single nucleotide variant.
Coding change: c.425A>G on transcript NM_000070.3 (MANE Select); coding-DNA position 425, A replaced by G.
Protein change: p.Gln142Arg; replaces glutamine 142 with arginine.
Molecular consequence: missense variant.
Genome position (GRCh38, 1-based): chr15:42,386,212, A>G. VCF-style: chr15-42386212-A-G. GRCh37 (hg19) VCF-style: chr15-42678410-A-G.
Other names: c.425A>G (NM_000070.2); c.425A>G, p.Gln142Arg (NM_024344.2, NM_173087.2); short protein forms Q142R.
Identifiers: ClinVar variation 990237 (VCV000990237.6), dbSNP rs1173872855, ClinGen allele CA391997563.

ClinVar aggregate classification (germline): Uncertain significance. Review status: criteria provided, multiple submitters, no conflicts (2 of 4 stars). 4 submissions from 4 submitters: Uncertain significance (3). 1 of the submissions does not count toward it. Last evaluated 2025-04-07.

Conditions:
Inborn genetic diseases. Identifiers: MedGen C0950123, MeSH D030342.
Autosomal recessive limb-girdle muscular dystrophy type 2A (LGMDR1). Also called: Limb-girdle muscular dystrophy, type 2A; Calpainopathy; LEYDEN-MOEBIUS MUSCULAR DYSTROPHY; MUSCULAR DYSTROPHY, PELVOFEMORAL; Muscular dystrophy, limb-girdle, type 2A, Amish. Identifiers: Orphanet 267, MedGen C1869123, MONDO:0009675, OMIM 253600. Disease mechanism: loss of function.

Allele frequency attached by ClinVar (database versions not stated): gnomAD 0.00001; gnomAD exomes 0.00001; TOPMed 0.00002.
gnomAD v4.1: 11 of 1,614,084 alleles (0.00068%); highest among the groups gnomAD compares: Admixed American, 0.0017%; no homozygotes.

Submissions (4):

Ambry Genetics
Classification: Uncertain significance for Inborn genetic diseases. Last evaluated: 2025-04-07. Review status: criteria provided, single submitter. Criteria: Ambry Variant Classification Scheme 2023. Collection method: clinical testing. Allele origin: germline.

Labcorp Genetics (formerly Invitae), Labcorp
Classification: Uncertain significance for Autosomal recessive limb-girdle muscular dystrophy type 2A. Last evaluated: 2025-01-28. Review status: criteria provided, single submitter. Criteria: Invitae Variant Classification Sherloc (09022015). Collection method: clinical testing. Allele origin: germline.
Comment: This sequence change replaces glutamine, which is neutral and polar, with arginine, which is basic and polar, at codon 142 of the CAPN3 protein (p.Gln142Arg). This variant is not present in population databases (gnomAD no frequency). This variant has not been reported in the literature in individuals affected with CAPN3-related conditions. ClinVar contains an entry for this variant (Variation ID: 990237). Invitae Evidence Modeling of protein sequence and biophysical properties (such as structural, functional, and spatial information, amino acid conservation, physicochemical variation, residue mobility, and thermodynamic stability) indicates that this missense variant is not expected to disrupt CAPN3 protein function with a negative predictive value of 80%. In summary, the available evidence is currently insufficient to determine the role of this variant in disease. Therefore, it has been classified as a Variant of Uncertain Significance.

Revvity Omics, Revvity
Classification: Uncertain significance. Last evaluated: 2020-11-06. Review status: criteria provided, single submitter. Criteria: ACMG Guidelines, 2015. Collection method: clinical testing. Allele origin: germline.

Natera, Inc.
Classification: Uncertain significance for Limb-girdle muscular dystrophy type 2A. Last evaluated: 2020-04-17. Review status: no assertion criteria provided. Collection method: clinical testing. Allele origin: germline. Not counted in ClinVar's aggregate classification.